The following is an entry in ClinVar:

ClinVar aggregate classification (germline): Conflicting classifications of pathogenicity. Review status: criteria provided, conflicting classifications (1 of 4 stars). 9 submissions from 8 submitters: Uncertain significance (7); Likely benign (2). Last evaluated 2025-11-13.

Conditions:
Adams-Oliver syndrome 5 (AOS5). Identifiers: Orphanet 974, MedGen C4014970, MONDO:0014459, OMIM 616028.
Familial thoracic aortic aneurysm and aortic dissection (TAAD). Also called: Thoracic aortic aneurysms and dissections. Identifiers: Orphanet 91387, MedGen C4707243, MONDO:0019625.
Aortic valve disease 1 (AOVD1). Identifiers: MedGen C3887892, MONDO:0024523, OMIM 109730.

Allele frequency attached by ClinVar (database versions not stated): gnomAD 0.00001; ExAC 0.00002; gnomAD exomes 0.00002 and 0.00005; TOPMed 0.00004; 1000 Genomes Project 30x 0.00016; 1000 Genomes Project 0.00020.
gnomAD v4.1: 27 of 1,604,512 alleles (0.0017%); highest among the groups gnomAD compares: Admixed American, 0.023%; no homozygotes.

Submissions (9):

Labcorp Genetics (formerly Invitae), Labcorp
Classification: Likely benign for Adams-Oliver syndrome 5. Last evaluated: 2025-11-13. Review status: criteria provided, single submitter. Criteria: Invitae Variant Classification Sherloc (09022015). Collection method: clinical testing. Allele origin: germline.

Women's Health and Genetics/Laboratory Corporation of America, LabCorp
Classification: Likely benign. Last evaluated: 2023-10-11. Review status: criteria provided, single submitter. Criteria: LabCorp Variant Classification Summary - May 2015. Collection method: clinical testing. Allele origin: germline.
Comment: Variant summary: NOTCH1 c.6205G>A (p.Ala2069Thr) results in a non-conservative amino acid change in the encoded protein sequence. Four of five in-silico tools predict a damaging effect of the variant on protein function. The variant allele was found at a frequency of 5e-05 in 238404 control chromosomes, predominantly at a frequency of 0.00029 within the Latino subpopulation in the gnomAD database. The observed variant frequency within Latino control individuals in the gnomAD database is approximately 464-fold of the estimated maximal expected allele frequency for a pathogenic variant in NOTCH1 causing Adams-Oliver Syndrome 5 phenotype (6.3e-07), strongly suggesting that the variant is a benign polymorphism found primarily in populations of Latino origin. c.6205G>A has been reported in the literature in at least one individual with an unspecified rare disease who also carried another NOTCH1 variant (e.g. Stranneheim_2021). These report(s) do not provide unequivocal conclusions about association of the variant with Adams-Oliver Syndrome 5. To our knowledge, no experimental evidence demonstrating an impact on protein function has been reported. The following publication has been ascertained in the context of this evaluation (PMID: 33726816). Seven submitters have cited clinical-significance assessments for this variant to ClinVar after 2014, classifying the variant as uncertain significance (n=6) or likely benign (n=1). Based on the evidence outlined above, the variant was classified as likely benign.

Genome-Nilou Lab
Classification: Uncertain significance for Adams-Oliver syndrome 5. Last evaluated: 2022-03-15. Review status: criteria provided, single submitter. Criteria: ACMG Guidelines, 2015. Collection method: clinical testing. Allele origin: germline. Affected: no.

Genome-Nilou Lab
Classification: Uncertain significance for Aortic valve disease 1. Last evaluated: 2022-03-15. Review status: criteria provided, single submitter. Criteria: ACMG Guidelines, 2015. Collection method: clinical testing. Allele origin: germline. Affected: no.

Fulgent Genetics
Classification: Uncertain significance for Aortic valve disease 1; Adams-Oliver syndrome 5. Last evaluated: 2022-02-04. Review status: criteria provided, single submitter. Criteria: ACMG Guidelines, 2015. Collection method: clinical testing. Allele origin: unknown.

Blueprint Genetics
Classification: Uncertain significance. Last evaluated: 2020-11-17. Review status: criteria provided, single submitter. Criteria: ACMG Guidelines, 2015. Collection method: clinical testing. Allele origin: germline.

Ambry Genetics
Classification: Uncertain significance for Familial thoracic aortic aneurysm and aortic dissection. Last evaluated: 2020-07-28. Review status: criteria provided, single submitter. Criteria: Ambry Variant Classification Scheme 2023. Collection method: clinical testing. Allele origin: germline.
Comment: The p.A2069T variant (also known as c.6205G>A), located in coding exon 34 of the NOTCH1 gene, results from a G to A substitution at nucleotide position 6205. The alanine at codon 2069 is replaced by threonine, an amino acid with similar properties. This amino acid position is highly conserved in available vertebrate species. In addition, the in silico prediction for this alteration is inconclusive. Since supporting evidence is limited at this time, the clinical significance of this alteration remains unclear.

Mayo Clinic Laboratories, Mayo Clinic
Classification: Uncertain significance. Last evaluated: 2020-07-23. Review status: criteria provided, single submitter. Criteria: ACMG Guidelines, 2015. Collection method: clinical testing. Allele origin: germline. Observed: 2 variant alleles.

GeneDx
Classification: Uncertain significance. Last evaluated: 2020-06-01. Review status: criteria provided, single submitter. Criteria: GeneDx Variant Classification Process June 2021. Collection method: clinical testing. Allele origin: germline. Affected: yes.
Comment: In silico analysis, which includes protein predictors and evolutionary conservation, supports a deleterious effect; Has not been previously published as pathogenic or benign to our knowledge

Literature cited by the submitters: PubMed 24943832 (cited by Women's Health and Genetics/Laboratory Corporation of America, LabCorp); PubMed 16614245 (cited by Women's Health and Genetics/Laboratory Corporation of America, LabCorp); PubMed 21670202 (cited by Women's Health and Genetics/Laboratory Corporation of America, LabCorp); PubMed 22210878 (cited by Women's Health and Genetics/Laboratory Corporation of America, LabCorp); PubMed 19635999 (cited by Women's Health and Genetics/Laboratory Corporation of America, LabCorp); PubMed 26837699 (cited by Women's Health and Genetics/Laboratory Corporation of America, LabCorp); PubMed 23086750 (cited by Women's Health and Genetics/Laboratory Corporation of America, LabCorp); PubMed 19245433 (cited by Women's Health and Genetics/Laboratory Corporation of America, LabCorp); PubMed 22077063 (cited by Women's Health and Genetics/Laboratory Corporation of America, LabCorp); PubMed 15472075 (cited by Women's Health and Genetics/Laboratory Corporation of America, LabCorp); PubMed 23734977 (cited by Women's Health and Genetics/Laboratory Corporation of America, LabCorp); PubMed 22858860 (cited by Women's Health and Genetics/Laboratory Corporation of America, LabCorp); PubMed 33726816 (cited by Women's Health and Genetics/Laboratory Corporation of America, LabCorp).

NM_017617.5(NOTCH1):c.6205G>A (p.Ala2069Thr)

Gene: NOTCH1 (notch receptor 1; minus strand). Cytogenetic location: 9q34.3.
Variant type: single nucleotide variant.
Coding change: c.6205G>A on transcript NM_017617.5 (MANE Select); coding-DNA position 6205, G replaced by A.
Protein change: p.Ala2069Thr; replaces alanine 2069 with threonine.
Molecular consequence: missense variant.
Genome position (GRCh38, 1-based): chr9:136,497,534, C>T on the plus strand (G>A on the coding strand, the complement: NOTCH1 is on the minus strand). VCF-style: chr9-136497534-C-T. GRCh37 (hg19) VCF-style: chr9-139391986-C-T.
Other names: c.6205G>A, p.Ala2069Thr (LRG_1122t1); short protein forms A2069T.
Identifiers: ClinVar variation 222758 (VCV000222758.23), dbSNP rs567909904, ClinGen allele CA353686.